The following is an entry in ClinVar:

ClinVar aggregate classification (germline): Benign. Review status: criteria provided, multiple submitters, no conflicts (2 of 4 stars). 2 submissions from 2 submitters: Benign (2). Last evaluated 2016-03-28.

Allele frequency attached by ClinVar (database versions not stated): ExAC 0.31973; 1000 Genomes Project 30x 0.36430.

Submissions (2):

Laboratory for Molecular Medicine, Mass General Brigham Personalized Medicine
Classification: Benign. Last evaluated: 2016-03-28. Review status: criteria provided, single submitter. Criteria: LMM Criteria. Collection method: clinical testing. Allele origin: germline.
Comment: Variant identified in a genome or exome case(s) and assessed due to predicted null impact of the variant or pathogenic assertions in the literature or databases. Disclaimer: This variant has not undergone full assessment. The following are preliminary notes: ExAC frequency

Breakthrough Genomics
Classification: Benign. Review status: criteria provided, single submitter. Criteria: ACMG Guidelines, 2015. Collection method: not provided. Allele origin: germline. Inheritance: Autosomal recessive inheritance. Affected: yes.

NM_000085.5(CLCNKB):c.*271G>C

Genes: CLCNKB (chloride voltage-gated channel Kb; plus strand), LOC106501713 (CLCNKB recombination region; plus strand). Cytogenetic location: 1p36.13.
Variant type: single nucleotide variant.
Coding change: c.*271G>C on transcript NM_000085.5 (MANE Select); 271 bases downstream of the stop codon, G replaced by C.
Molecular consequence: 3 prime UTR variant.
Genome position (GRCh38, 1-based): chr1:16,057,187, G>C. VCF-style: chr1-16057187-G-C. GRCh37 (hg19) VCF-style: chr1-16383682-G-C.
Other names: c.*271G>C (NM_001165945.2).
Identifiers: ClinVar variation 402540 (VCV000402540.5), dbSNP rs1057854, ClinGen allele CA624241.